The following is an entry in ClinVar:

NM_003907.3(EIF2B5):c.179C>T (p.Ser60Phe)

Genes: EIF2B5 (eukaryotic translation initiation factor 2B subunit epsilon; plus strand), LOC129938041 (ATAC-STARR-seq lymphoblastoid silent region 14954; plus strand). Cytogenetic location: 3q27.1.
Variant type: single nucleotide variant.
Coding change: c.179C>T on transcript NM_003907.3 (MANE Select); coding-DNA position 179, C replaced by T.
Protein change: p.Ser60Phe; replaces serine 60 with phenylalanine.
Molecular consequence: missense variant.
Genome position (GRCh38, 1-based): chr3:184,135,564, C>T. VCF-style: chr3-184135564-C-T. GRCh37 (hg19) VCF-style: chr3-183853352-C-T.
Other names: short protein forms S60F.
Identifiers: ClinVar variation 2163790 (VCV002163790.4), dbSNP rs746844889, ClinGen allele CA355381385.
Genomic context (GRCh38, chr3:184,135,564, plus strand): 5'-CGCCGCCCCTACAAGCAGTTCTGGTGGCCGATAGCTTCGATCGCCGCTTCTTCCCCATCT[C>T]CAAGGACCAGCCTCGGGTGAGCGCCGCGCACGCGAGCAGCCAGAGGGCAGGAAGGGTGGC-3'
Protein context (NP_003898.2, residues 50-70): DSFDRRFFPI[Ser60Phe]KDQPRVLLPL

ClinVar aggregate classification (germline): Uncertain significance (1 of 4 stars; one submission).

Submission:

Labcorp Genetics (formerly Invitae), Labcorp
Classification: Uncertain significance. Last evaluated: 2022-01-07. Review status: criteria provided, single submitter. Criteria: Invitae Variant Classification Sherloc (09022015). Collection method: clinical testing. Allele origin: germline.
Comment: In summary, the available evidence is currently insufficient to determine the role of this variant in disease. Therefore, it has been classified as a Variant of Uncertain Significance. Advanced modeling of protein sequence and biophysical properties (such as structural, functional, and spatial information, amino acid conservation, physicochemical variation, residue mobility, and thermodynamic stability) performed at Invitae indicates that this missense variant is expected to disrupt EIF2B5 protein function. This variant has not been reported in the literature in individuals affected with EIF2B5-related conditions. This variant is not present in population databases (gnomAD no frequency). This sequence change replaces serine, which is neutral and polar, with phenylalanine, which is neutral and non-polar, at codon 60 of the EIF2B5 protein (p.Ser60Phe).